The following is an entry in ClinVar:

NM_080701.4(TREX2):c.541C>T (p.Arg181Trp)

Gene: TREX2 (three prime repair exonuclease 2; minus strand). Cytogenetic location: Xq28.
Variant type: single nucleotide variant.
Coding change: c.541C>T on transcript NM_080701.4 (MANE Select); coding-DNA position 541, C replaced by T.
Protein change: p.Arg181Trp; replaces arginine 181 with tryptophan.
Molecular consequence: missense variant.
Genome position (GRCh38, 1-based): chrX:153,444,890, G>A on the plus strand (C>T on the coding strand, the complement: TREX2 is on the minus strand). VCF-style: chrX-153444890-G-A. GRCh37 (hg19) VCF-style: chrX-152710348-G-A.
Other names: c.541C>T, p.Arg181Trp (NM_007205.3); short protein forms R181W.
Identifiers: ClinVar variation 2365083 (VCV002365083.26), dbSNP rs141205509, ClinGen allele CA10546510.

ClinVar aggregate classification (germline): Conflicting classifications of pathogenicity. Review status: criteria provided, conflicting classifications (1 of 4 stars). 2 submissions from 2 submitters: Uncertain significance (1); Likely benign (1). Last evaluated 2022-11-01.

Allele frequency attached by ClinVar (database versions not stated): ExAC 0.00085; ESP Exome Variant Server 0.00114.

Submissions (2):

CeGaT Center for Human Genetics Tuebingen
Classification: Likely benign. Last evaluated: 2022-11-01. Review status: criteria provided, single submitter. Criteria: CeGaT Center For Human Genetics Tuebingen Variant Classification Criteria Version 2. Collection method: clinical testing. Allele origin: germline. Affected: yes. Observed: 1 variant allele.
Comment: TREX2: BP4, BS2

Ambry Genetics
Classification: Uncertain significance. Last evaluated: 2021-07-20. Review status: criteria provided, single submitter. Criteria: Ambry Variant Classification Scheme 2023. Collection method: clinical testing. Allele origin: germline.